The following is an entry in ClinVar:

NM_000352.6(ABCC8):c.853dup (p.Arg285fs)

Gene: ABCC8 (ATP binding cassette subfamily C member 8; minus strand). Cytogenetic location: 11p15.1.
Variant type: Duplication.
Coding change: c.853dup on transcript NM_000352.6 (MANE Select); coding-DNA position 853, one base duplicated (C; older notation c.853dupC).
Protein change: p.Arg285fs; shifts the reading frame from arginine 285.
Molecular consequence: frameshift variant. On other transcripts: non-coding transcript variant (1).
Genome position (GRCh38, 1-based): chr11:17,460,646, G duplicated on the plus strand (C on the coding strand, the reverse complement: ABCC8 is on the minus strand); the first of 3 consecutive G bases (chr11:17,460,646-17,460,648); duplicating any one gives the same sequence. VCF-style (leftmost placement, unchanged base first): chr11-17460645-C-CG. GRCh37 (hg19) VCF-style: chr11-17482192-C-CG.
Other names: c.853dup, p.Arg285fs (NM_001287174.3, NM_001351295.2); c.850dup, p.Arg284fs (NM_001351296.2, NM_001351297.2); short protein forms R284fs, R285fs.
Identifiers: ClinVar variation 5011975 (VCV005011975.1).

ClinVar aggregate classification (germline): Pathogenic (1 of 4 stars; one submission).

Conditions:
Hyperinsulinemic hypoglycemia, familial, 1 (HHF1). Also called: HYPERINSULINISM, FAMILIAL, WITH PANCREATIC NESIDIOBLASTOSIS; HYPOGLYCEMIA, HYPERINSULINEMIC, OF INFANCY; NESIDIOBLASTOSIS OF PANCREAS; Persistent Hyperinsulinemia Hypoglycemia of Infancy; Persistent hyperinsulinemic hypoglycemia of infancy. Identifiers: Orphanet 276575, Orphanet 276598, MedGen C2931832, MONDO:0009734, OMIM 256450.

Submission:

Myriad Genetics, Inc.
Classification: Pathogenic for Hyperinsulinemic hypoglycemia, familial, 1. Last evaluated: 2023-09-27. Review status: criteria provided, single submitter. Criteria: Myriad Autosomal Dominant, Autosomal Recessive and X-Linked Classification Criteria (2023). Collection method: clinical testing. Allele origin: unknown.
Comment: NM_000352.3(ABCC8):c.853dupC(R285Pfs*98) is expected to be pathogenic in the context of familial hyperinsulinism, ABCC8-related. This variant is predicted to lead to an abnormal or absent protein product due to the creation of a premature termination codon in ABCC8, a gene where loss-of-function variants are known to be pathogenic. Please note: this variant was assessed in the context of healthy population screening.